The following is an entry in ClinVar:

ClinVar aggregate classification (germline): Conflicting classifications of pathogenicity. Review status: criteria provided, conflicting classifications (1 of 4 stars). 2 submissions from 2 submitters: Likely pathogenic (1); Uncertain significance (1). Last evaluated 2025-04-08.

Conditions:
Recessive dystrophic epidermolysis bullosa (RDEB). Also called: DYSTROPHIC EPIDERMOLYSIS BULLOSA, AUTOSOMAL RECESSIVE; EPIDERMOLYSIS BULLOSA DYSTROPHICA, HALLOPEAU-SIEMENS TYPE; Hallopeau-Siemens Disease; severe generalized recessive dystrophic epidermolysis bullosa; epidermolysis bullosa dystrophica, autosomal recessive; Recessive DEB (RDEB). Identifiers: Orphanet 79408, Orphanet 79409, MedGen C0079474, MONDO:0009179, OMIM 226600.
Inborn genetic diseases. Identifiers: MedGen C0950123, MeSH D030342.

gnomAD v4.1: 2 of 1,613,760 alleles (0.00012%); highest among the groups gnomAD compares: Non-Finnish European, 0.00017%; no homozygotes.

Submissions (2):

Myriad Genetics, Inc.
Classification: Likely pathogenic for Recessive dystrophic epidermolysis bullosa. Last evaluated: 2025-04-08. Review status: criteria provided, single submitter. Criteria: Myriad Autosomal Dominant, Autosomal Recessive and X-Linked Classification Criteria (2023). Collection method: clinical testing. Allele origin: unknown.
Comment: NM_000094.3(COL7A1):c.8227G>A(G2743S) is a missense variant classified as likely pathogenic in the context of dystrophic epidermolysis bullosa. G2743S has been observed in cases with relevant disease (PMID: 19681861). Relevant functional assessments of this variant are not available in the literature. G2743S has not been observed in referenced population frequency databases. In summary, NM_000094.3(COL7A1):c.8227G>A(G2743S) is a missense variant that has been observed more frequently in cases with the relevant disease than in healthy populations. Please note: this variant was assessed in the context of healthy population screening.

Ambry Genetics
Classification: Uncertain significance for Inborn genetic diseases. Last evaluated: 2024-06-10. Review status: criteria provided, single submitter. Criteria: Ambry Variant Classification Scheme 2023. Collection method: clinical testing. Allele origin: germline.

Literature cited by the submitters: PubMed 19681861 (cited by Myriad Genetics, Inc.).

NM_000094.4(COL7A1):c.8227G>A (p.Gly2743Ser)

Gene: COL7A1 (collagen type VII alpha 1 chain; minus strand). Cytogenetic location: 3p21.31.
Variant type: single nucleotide variant.
Coding change: c.8227G>A on transcript NM_000094.4 (MANE Select); coding-DNA position 8227, G replaced by A.
Protein change: p.Gly2743Ser; replaces glycine 2743 with serine.
Molecular consequence: missense variant.
Genome position (GRCh38, 1-based): chr3:48,566,737, C>T on the plus strand (G>A on the coding strand, the complement: COL7A1 is on the minus strand). VCF-style: chr3-48566737-C-T. GRCh37 (hg19) VCF-style: chr3-48604170-C-T.
Other names: short protein forms G2743S.
Identifiers: ClinVar variation 3268863 (VCV003268863.2).